The following is an entry in ClinVar:

NM_032608.7(MYO18B):c.62C>T (p.Pro21Leu)

Gene: MYO18B (myosin XVIIIB; plus strand). Cytogenetic location: 22q12.1.
Variant type: single nucleotide variant.
Coding change: c.62C>T on transcript NM_032608.7 (MANE Select); coding-DNA position 62, C replaced by T.
Protein change: p.Pro21Leu; replaces proline 21 with leucine.
Molecular consequence: missense variant.
Genome position (GRCh38, 1-based): chr22:25,763,253, C>T. VCF-style: chr22-25763253-C-T. GRCh37 (hg19) VCF-style: chr22-26159220-C-T.
Other names: c.62C>T, p.Pro21Leu (NM_001318245.2); short protein forms P21L.
Identifiers: ClinVar variation 1505478 (VCV001505478.6), dbSNP rs2146603202, ClinGen allele CA410999804.

ClinVar aggregate classification (germline): Uncertain significance (1 of 4 stars; one submission).

Submission:

Labcorp Genetics (formerly Invitae), Labcorp
Classification: Uncertain significance. Last evaluated: 2022-11-01. Review status: criteria provided, single submitter. Criteria: Invitae Variant Classification Sherloc (09022015). Collection method: clinical testing. Allele origin: germline.
Comment: This variant is not present in population databases (gnomAD no frequency). In summary, the available evidence is currently insufficient to determine the role of this variant in disease. Therefore, it has been classified as a Variant of Uncertain Significance. Algorithms developed to predict the effect of missense changes on protein structure and function are either unavailable or do not agree on the potential impact of this missense change (SIFT: "Not Available"; PolyPhen-2: "Probably Damaging"; Align-GVGD: "Not Available"). ClinVar contains an entry for this variant (Variation ID: 1505478). This variant has not been reported in the literature in individuals affected with MYO18B-related conditions. This sequence change replaces proline, which is neutral and non-polar, with leucine, which is neutral and non-polar, at codon 21 of the MYO18B protein (p.Pro21Leu).